The following is an entry in ClinVar:

NM_000038.6(APC):c.4462T>G (p.Leu1488Val)

Gene: APC (APC regulator of Wnt signaling pathway; plus strand). Cytogenetic location: 5q22.2.
Variant type: single nucleotide variant.
Coding change: c.4462T>G on transcript NM_000038.6 (MANE Select); coding-DNA position 4462, T replaced by G.
Protein change: p.Leu1488Val; replaces leucine 1488 with valine.
Molecular consequence: missense variant.
Genome position (GRCh38, 1-based): chr5:112,840,056, T>G. VCF-style: chr5-112840056-T-G. GRCh37 (hg19) VCF-style: chr5-112175753-T-G.
Other names: c.4462T>G, p.Leu1488Val (NM_001127510.3, NM_001354895.2); c.4408T>G, p.Leu1470Val (NM_001127511.3); c.4516T>G, p.Leu1506Val (NM_001354896.2); c.4492T>G, p.Leu1498Val (NM_001354897.2); c.4387T>G, p.Leu1463Val (NM_001354898.2); c.4378T>G, p.Leu1460Val (NM_001354899.2); c.4339T>G, p.Leu1447Val (NM_001354900.2); c.4285T>G, p.Leu1429Val (NM_001354901.2); and 5 more; short protein forms L1488V, L1470V, L1205V, L1328V, L1429V, L1460V, L1362V, L1387V.
Identifiers: ClinVar variation 537411 (VCV000537411.17), dbSNP rs765730576, ClinGen allele CA039147.

ClinVar aggregate classification (germline): Uncertain significance. Review status: criteria provided, multiple submitters, no conflicts (2 of 4 stars). 3 submissions from 3 submitters: Uncertain significance (3). Last evaluated 2025-08-05.

Conditions:
Hereditary cancer-predisposing syndrome. Also called: Tumor predisposition; Hereditary Cancer Syndrome; Hereditary neoplastic syndrome; Neoplastic Syndromes, Hereditary. Identifiers: Orphanet 140162, MedGen C0027672, MeSH D009386, MONDO:0015356.
Familial adenomatous polyposis 1 (FAP1). Also called: FAMILIAL ADENOMATOUS POLYPOSIS 1, ATTENUATED; POLYPOSIS, ADENOMATOUS INTESTINAL. Identifiers: MedGen C2713442, MONDO:0021056, OMIM 175100. Disease mechanism: loss of function.

Allele frequency attached by ClinVar (database versions not stated): gnomAD exomes below 0.00001; ExAC 0.00001.
gnomAD v4.1: 1 of 1,614,096 alleles (0.000062%); highest among the groups gnomAD compares: Non-Finnish European, 0.000085%; no homozygotes.

Submissions (3):

Ambry Genetics
Classification: Uncertain significance for Hereditary cancer-predisposing syndrome. Last evaluated: 2025-08-05. Review status: criteria provided, single submitter. Criteria: Ambry Variant Classification Scheme 2023. Collection method: clinical testing. Allele origin: germline.
Comment: The p.L1488V variant (also known as c.4462T>G), located in coding exon 15 of the APC gene, results from a T to G substitution at nucleotide position 4462. The leucine at codon 1488 is replaced by valine, an amino acid with highly similar properties. This variant was identified in 1/302 patients with a previous diagnoses of pancreatic ductal adenocarcinoma and a family history positive for pancreatic cancer (Chaffee KG et al. Genet. Med., 2018 01;20:119-127). This amino acid position is highly conserved in available vertebrate species. In addition, in silico predictors for this gene do not accurately predict pathogenicity. Since supporting evidence is limited at this time, the clinical significance of this alteration remains unclear.

Labcorp Genetics (formerly Invitae), Labcorp
Classification: Uncertain significance for Familial adenomatous polyposis 1. Last evaluated: 2024-03-14. Review status: criteria provided, single submitter. Criteria: Invitae Variant Classification Sherloc (09022015). Collection method: clinical testing. Allele origin: germline.
Comment: This sequence change replaces leucine, which is neutral and non-polar, with valine, which is neutral and non-polar, at codon 1488 of the APC protein (p.Leu1488Val). This variant is present in population databases (rs765730576, gnomAD 0.0009%). This missense change has been observed in individual(s) with pancreatic cancer (PMID: 28726808). ClinVar contains an entry for this variant (Variation ID: 537411). Advanced modeling of protein sequence and biophysical properties (such as structural, functional, and spatial information, amino acid conservation, physicochemical variation, residue mobility, and thermodynamic stability) performed at Invitae indicates that this missense variant is not expected to disrupt APC protein function with a negative predictive value of 95%. In summary, the available evidence is currently insufficient to determine the role of this variant in disease. Therefore, it has been classified as a Variant of Uncertain Significance.

Women's Health and Genetics/Laboratory Corporation of America, LabCorp
Classification: Uncertain significance. Last evaluated: 2021-11-22. Review status: criteria provided, single submitter. Criteria: LabCorp Variant Classification Summary - May 2015. Collection method: clinical testing. Allele origin: germline.
Comment: Variant summary: APC c.4462T>G (p.Leu1488Val) results in a conservative amino acid change located in the encoded protein sequence. Four of five in-silico tools predict a benign effect of the variant on protein function. The variant allele was found at a frequency of 4e-06 in 250658 control chromosomes (gnomAD), however the available data on variant occurrences in the general population are insufficient to allow any conclusion about variant significance. c.4462T>G has been reported in the literature in one individual affected with Familial Pancreatic Cancer (Chaffee_2018). This report does not provide unequivocal conclusions about association of the variant with Familial Adenomatous Polyposis. To our knowledge, no experimental evidence demonstrating an impact on protein function has been reported. Two clinical diagnostic laboratories have submitted clinical-significance assessments for this variant to ClinVar after 2014 and classified the variant as uncertain significance. Based on the evidence outlined above, the variant was classified as uncertain significance.

Literature cited by the submitters: PubMed 28726808 (cited by 3 submitters).